The following is an entry in ClinVar:

NM_001002029.4(C4B):c.3676+1G>A

Gene: C4B (complement C4B (Chido/Rodgers blood group); plus strand). Cytogenetic location: 6p21.33.
Variant type: single nucleotide variant.
Coding change: c.3676+1G>A on transcript NM_001002029.4 (MANE Select); the canonical splice donor site of the intron after coding-DNA position 3676, G replaced by A.
Molecular consequence: splice donor variant.
Genome position (GRCh38, 1-based): chr6:32,029,339, G>A. VCF-style: chr6-32029339-G-A. GRCh37 (hg19) VCF-style: chr6-31997116-G-A.
Identifiers: ClinVar variation 1299253 (VCV001299253.1), dbSNP rs771378213, ClinGen allele CA3732144.
Genomic context (GRCh38, chr6:32,029,339, plus strand): 5'-CTGCGGACCTGCGGGGTGTTGCCCACAACAACCTCATGGCAATGGCCCAGGAGACTGGAG[G>A]TGAGGGGTGAGGGGCTCTGGCAGTGAGCCTGAGGCCCAGGGGACCTTAGGATCCCTGAGT-3'

ClinVar aggregate classification (germline): Likely pathogenic (1 of 4 stars; one submission).

Conditions:
Complement component 4b deficiency. Identifiers: MedGen C5779962, MONDO:0013720, OMIM 614379.

Allele frequency attached by ClinVar (database versions not stated): TOPMed 0.00002; gnomAD 0.00003 and 0.00004; gnomAD exomes below 0.00001; ExAC 0.00001.

Submission:

Breda Genetics srl
Classification: Likely pathogenic for Complement component 4b deficiency. Last evaluated: 2021-01-12. Review status: criteria provided, single submitter. Criteria: ACMG Guidelines, 2015. Collection method: clinical testing. Allele origin: germline. Affected: yes. Observed: 1 variant allele, 1 heterozygote.
Comment: Based on allele frequency, in-silico prediction scores and a certain overlap with the clinical phenotype, we interpreted this variant at least as of uncertain significance. The lack of one or more of the following features has discouraged further investigations: lack of a possible second hit in autosomal recessive conditions, presence of healthy controls in databases for autosomal dominant conditions, presence of unmatching cardinal clinical features in the patient or in the known gene-disease association, and/or variant type outside the known gene mutational spectrum.